The following is an entry in ClinVar:

NM_032578.4(MYPN):c.527G>A (p.Arg176His)

Gene: MYPN (myopalladin; plus strand). Cytogenetic location: 10q21.3.
Variant type: single nucleotide variant.
Coding change: c.527G>A on transcript NM_032578.4 (MANE Select); coding-DNA position 527, G replaced by A.
Protein change: p.Arg176His; replaces arginine 176 with histidine.
Molecular consequence: missense variant. On other transcripts: 5 prime UTR variant (1), non-coding transcript variant (1).
Genome position (GRCh38, 1-based): chr10:68,121,965, G>A. VCF-style: chr10-68121965-G-A. GRCh37 (hg19) VCF-style: chr10-69881722-G-A.
Other names: c.527G>A, p.Arg176His (NM_001256267.2); c.-596G>A (NM_001256268.2); short protein forms R176H.
Identifiers: ClinVar variation 3402030 (VCV003402030.1).

ClinVar aggregate classification (germline): Uncertain significance (1 of 4 stars; one submission).

Conditions:
Cardiovascular phenotype. Identifiers: MedGen CN230736.

gnomAD v4.1: 3 of 1,614,146 alleles (0.00019%); highest among the groups gnomAD compares: Non-Finnish European, 0.00025%; no homozygotes.

Submission:

Ambry Genetics
Classification: Uncertain significance for Cardiovascular phenotype. Last evaluated: 2024-08-25. Review status: criteria provided, single submitter. Criteria: Ambry Variant Classification Scheme 2023. Collection method: clinical testing. Allele origin: germline.
Comment: The p.R176H variant (also known as c.527G>A), located in coding exon 1 of the MYPN gene, results from a G to A substitution at nucleotide position 527. The arginine at codon 176 is replaced by histidine, an amino acid with highly similar properties. This amino acid position is conserved. In addition, the in silico prediction for this alteration is inconclusive. Based on the available evidence, the clinical significance of this variant remains unclear.